The following is an entry in ClinVar:

NM_001005242.3(PKP2):c.2508del (p.Asp837fs)

Gene: PKP2 (plakophilin 2; minus strand). Cytogenetic location: 12p11.21.
Variant type: Deletion.
Coding change: c.2508del on transcript NM_001005242.3 (MANE Select); coding-DNA position 2508, one base deleted (A; older notation c.2508delA).
Protein change: p.Asp837fs; shifts the reading frame from aspartic acid 837.
Molecular consequence: frameshift variant.
Genome position (GRCh38, 1-based): chr12:32,792,430, T deleted on the plus strand (A on the coding strand, the reverse complement: PKP2 is on the minus strand); the first of 3 consecutive T bases (chr12:32,792,430-32,792,432); deleting any one gives the same sequence. VCF-style (leftmost placement, unchanged base first): chr12-32792429-CT-C. GRCh37 (hg19) VCF-style: chr12-32945363-CT-C.
Other names: c.2640del, p.Asp881fs (NM_004572.4); c.2181del, p.Asp728fs (NM_001407158.1, NM_001407159.1); c.1991del, p.Lys664fs (NM_001407160.1); c.2638delA, p.Asp881Thrfs (NM_004572.3); c.2318del, p.Lys773fs (NM_001407155.1); c.2343del, p.Asp782fs (NM_001407156.1); short protein forms D728fs, D782fs, D837fs, D881fs, K664fs, K773fs.
Identifiers: ClinVar variation 2662957 (VCV002662957.2), dbSNP rs2541184070, ClinGen allele CA2695199062.

ClinVar aggregate classification (germline): Uncertain significance (1 of 4 stars; one submission).

Submission:

GeneDx
Classification: Uncertain significance. Last evaluated: 2023-12-27. Review status: criteria provided, single submitter. Criteria: GeneDx Variant Classification Process June 2021. Collection method: clinical testing. Allele origin: germline.
Comment: Has not been previously published as pathogenic or benign to our knowledge; Not observed at significant frequency in large population cohorts (gnomAD); Frameshift variant predicted to result in protein truncation as the last amino acid is replaced with 49 different amino acids, although loss-of-function variants have not been reported downstream of this position in the protein